The following is an entry in ClinVar:

NM_014915.3(ANKRD26):c.2539G>C (p.Val847Leu)

Gene: ANKRD26 (ankyrin repeat domain containing 26; minus strand). Cytogenetic location: 10p12.1.
Variant type: single nucleotide variant.
Coding change: c.2539G>C on transcript NM_014915.3 (MANE Select); coding-DNA position 2539, G replaced by C.
Protein change: p.Val847Leu; replaces valine 847 with leucine.
Molecular consequence: missense variant.
Genome position (GRCh38, 1-based): chr10:27,037,891, C>G on the plus strand (G>C on the coding strand, the complement: ANKRD26 is on the minus strand). VCF-style: chr10-27037891-C-G. GRCh37 (hg19) VCF-style: chr10-27326820-C-G.
Other names: c.2536G>C, p.Val846Leu (NM_001256053.2); short protein forms V846L, V847L.
Identifiers: ClinVar variation 1337782 (VCV001337782.5), dbSNP rs1361985075, ClinGen allele CA376366533.

ClinVar aggregate classification (germline): Uncertain significance. Review status: criteria provided, multiple submitters, no conflicts (2 of 4 stars). 2 submissions from 2 submitters: Uncertain significance (2). Last evaluated 2025-08-29.

Conditions:
Inborn genetic diseases. Identifiers: MedGen C0950123, MeSH D030342.

Allele frequency attached by ClinVar (database versions not stated): TOPMed 0.00001.
gnomAD v4.1: 1 of 1,610,268 alleles (0.000062%); highest among the groups gnomAD compares: African/African-American, 0.0013%; no homozygotes.

Submissions (2):

Ambry Genetics
Classification: Uncertain significance for Inborn genetic diseases. Last evaluated: 2025-08-29. Review status: criteria provided, single submitter. Criteria: Ambry Variant Classification Scheme 2023. Collection method: clinical testing. Allele origin: germline.
Comment: The p.V847L variant (also known as c.2539G>C), located in coding exon 22 of the ANKRD26 gene, results from a G to C substitution at nucleotide position 2539. The valine at codon 847 is replaced by leucine, an amino acid with highly similar properties. This amino acid position is conserved. In addition, this alteration is predicted to be tolerated by in silico analysis. Based on the available evidence, the clinical significance of this variant remains unclear.

Genetic Services Laboratory, University of Chicago
Classification: Uncertain significance. Last evaluated: 2020-12-03. Review status: criteria provided, single submitter. Criteria: ACMG Guidelines, 2015. Collection method: clinical testing. Allele origin: germline. Affected: no.
Comment: DNA sequence analysis of the ANKRD26 gene demonstrated a sequence change, c.2539G>C, in exon 22 that results in an amino acid change, p.Val847Leu. This sequence change does not appear to have been previously described in patients with ANKRD26-related disorders and has also not been described in population databases (gnomAD, ExAC). The p.Val847Leu change affects a highly conserved amino acid residue located in a domain of the ANKRD26 protein that is not known to be functional. The p.Val847Leu substitution appears to be benign using several in-silico pathogenicity prediction tools (SIFT, PolyPhen2, Align GVGD, REVEL). Due to these contrasting evidences and the lack of functional studies, the clinical significance of the p.Val847Leu change remains unknown at this time.